The following is an entry in ClinVar:

ClinVar aggregate classification (germline): Uncertain significance (1 of 4 stars; one submission).

Conditions:
Familial sleep-related hypermotor epilepsy. Also called: Autosomal Dominant Sleep-Related Hypermotor (Hyperkinetic) Epilepsy. Identifiers: Orphanet 98784, MedGen C3696898, MONDO:0000030.

Submission:

Labcorp Genetics (formerly Invitae), Labcorp
Classification: Uncertain significance. Last evaluated: 2023-11-24. Review status: criteria provided, single submitter. Criteria: Invitae Variant Classification Sherloc (09022015). Collection method: clinical testing. Allele origin: germline.
Comment: This sequence change replaces glycine, which is neutral and non-polar, with arginine, which is basic and polar, at codon 404 of the CHRNB2 protein (p.Gly404Arg). This variant is not present in population databases (gnomAD no frequency). This variant has not been reported in the literature in individuals affected with CHRNB2-related conditions. Advanced modeling of protein sequence and biophysical properties (such as structural, functional, and spatial information, amino acid conservation, physicochemical variation, residue mobility, and thermodynamic stability) performed at Invitae indicates that this missense variant is not expected to disrupt CHRNB2 protein function with a negative predictive value of 95%. In summary, the available evidence is currently insufficient to determine the role of this variant in disease. Therefore, it has been classified as a Variant of Uncertain Significance.

NM_000748.3(CHRNB2):c.1210G>C (p.Gly404Arg)

Gene: CHRNB2 (cholinergic receptor nicotinic beta 2 subunit; plus strand). Cytogenetic location: 1q21.3.
Variant type: single nucleotide variant.
Coding change: c.1210G>C on transcript NM_000748.3 (MANE Select); coding-DNA position 1210, G replaced by C.
Protein change: p.Gly404Arg; replaces glycine 404 with arginine.
Molecular consequence: missense variant.
Genome position (GRCh38, 1-based): chr1:154,572,033, G>C. VCF-style: chr1-154572033-G-C. GRCh37 (hg19) VCF-style: chr1-154544509-G-C.
Other names: short protein forms G404R.
Identifiers: ClinVar variation 2995977 (VCV002995977.3), dbSNP rs1398378838, ClinGen allele CA342631705.
Genomic context (GRCh38, chr1:154,572,033, plus strand): 5'-GCCGACTCCTGCACGTGCTTCGTCAACCGCGCGTCGGTGCAGGGGTTGGCCGGGGCCTTC[G>C]GGGCTGAGCCTGCACCAGTGGCGGGCCCCGGGCGCTCAGGGGAGCCGTGTGGCTGTGGCC-3'
Protein context (NP_000739.1, residues 394-414): ASVQGLAGAF[Gly404Arg]AEPAPVAGPG